The following is an entry in ClinVar:

NM_000203.5(IDUA):c.1333_1345del (p.Asp445fs)

Gene: IDUA (alpha-L-iduronidase; plus strand). Cytogenetic location: 4p16.3.
Variant type: Deletion.
Coding change: c.1333_1345del on transcript NM_000203.5 (MANE Select); coding-DNA positions 1333 to 1345, 13 bases deleted (GACACCCGCGCCC).
Protein change: p.Asp445fs; shifts the reading frame from aspartic acid 445.
Molecular consequence: frameshift variant. On other transcripts: non-coding transcript variant (1).
Genome position (GRCh38, 1-based): chr4:1,002,875-1,002,887, GACACCCGCGCCC deleted; deleting any 13 consecutive bases within chr4:1,002,874-1,002,887 gives the same sequence; the c. name uses the placement nearest the transcript's 3' end. VCF-style (leftmost placement, unchanged base first): chr4-1002873-ACGACACCCGCGCC-A. GRCh37 (hg19) VCF-style: chr4-996661-ACGACACCCGCGCC-A.
Other names: c.937_949del, p.Asp313fs (NM_001363576.1); short protein forms D313fs, D445fs.
Identifiers: ClinVar variation 5011348 (VCV005011348.1).

ClinVar aggregate classification (germline): Pathogenic (1 of 4 stars; one submission).

Conditions:
Mucopolysaccharidosis type 1. Also called: IDUA deficiency; MPS I; Mucopolysaccharidosis Type I. Identifiers: Orphanet 579, MedGen C0023786, MONDO:0001586.

Submission:

Myriad Genetics, Inc.
Classification: Pathogenic for Mucopolysaccharidosis type 1. Last evaluated: 2023-08-14. Review status: criteria provided, single submitter. Criteria: Myriad Autosomal Dominant, Autosomal Recessive and X-Linked Classification Criteria (2023). Collection method: clinical testing. Allele origin: unknown.
Comment: NM_000203.3(IDUA):c.1333_1345del13(D445Tfs*8) is expected to be pathogenic in the context of mucopolysaccharidosis type I. This variant is predicted to lead to an abnormal or absent protein product due to the creation of a premature termination codon in IDUA, a gene where loss-of-function variants are known to be pathogenic. Please note: this variant was assessed in the context of healthy population screening.